The following is an entry in ClinVar:

NM_001267550.2(TTN):c.11312-4709C>A

Gene: TTN (titin; minus strand). Cytogenetic location: 2q31.2.
Variant type: single nucleotide variant.
Coding change: c.11312-4709C>A on transcript NM_001267550.2 (MANE Select); 4709 bases into the intron before coding-DNA position 11312, C replaced by A.
Molecular consequence: intron variant. On other transcripts: missense variant (1).
Genome position (GRCh38, 1-based): chr2:178,746,630, G>T on the plus strand (C>A on the coding strand, the complement: TTN is on the minus strand). VCF-style: chr2-178746630-G-T. GRCh37 (hg19) VCF-style: chr2-179611357-G-T.
Other names: c.15770C>A, p.Ala5257Asp (NM_133379.5); c.10223-4709C>A (NM_003319.4); c.10799-4709C>A (NM_133437.4); c.10598-4709C>A (NM_133432.3); c.10360+6494C>A (NM_133378.4); c.10361-4709C>A (NM_001256850.1); short protein forms A5257D.
Identifiers: ClinVar variation 1879509 (VCV001879509.29), dbSNP rs141674357, ClinGen allele CA2003049.

ClinVar aggregate classification (germline): Uncertain significance (1 of 4 stars; one submission).

Allele frequency attached by ClinVar (database versions not stated): gnomAD 0.00001; TOPMed 0.00001; ExAC 0.00007; ESP Exome Variant Server 0.00008.
gnomAD v4.1: 25 of 1,613,110 alleles (0.0015%); highest among the groups gnomAD compares: Middle Eastern, 0.016%; no homozygotes.

Submission:

CeGaT Center for Human Genetics Tuebingen
Classification: Uncertain significance. Last evaluated: 2026-08-01. Review status: criteria provided, single submitter. Criteria: CeGaT Center For Human Genetics Tuebingen Variant Classification Criteria Version 2. Collection method: clinical testing. Allele origin: germline. Affected: yes. Observed: 3 variant alleles.
Comment: TTN: PP3